The following is an entry in ClinVar:

ClinVar aggregate classification (germline): Likely benign (1 of 4 stars; one submission).

Submission:

CeGaT Center for Human Genetics Tuebingen
Classification: Likely benign. Last evaluated: 2025-10-01. Review status: criteria provided, single submitter. Criteria: CeGaT Center For Human Genetics Tuebingen Variant Classification Criteria Version 2. Collection method: clinical testing. Allele origin: germline. Affected: yes. Observed: 1 variant allele.
Comment: CHMP4A: PM2:Supporting, BP4, BP7

NM_014169.5(CHMP4A):c.481C>T (p.Leu161=)

Gene: CHMP4A (charged multivesicular body protein 4A; minus strand). Cytogenetic location: 14q12.
Variant type: single nucleotide variant.
Coding change: c.481C>T on transcript NM_014169.5 (MANE Select); coding-DNA position 481, C replaced by T.
Protein change: p.Leu161=; no amino-acid change (leucine 161 retained).
Molecular consequence: synonymous variant.
Genome position (GRCh38, 1-based): chr14:24,210,477, G>A on the plus strand (C>T on the coding strand, the complement: CHMP4A is on the minus strand). VCF-style: chr14-24210477-G-A. GRCh37 (hg19) VCF-style: chr14-24679683-G-A.
Identifiers: ClinVar variation 4534937 (VCV004534937.6).